The following is an entry in ClinVar:

NM_006445.4(PRPF8):c.1225C>A (p.Arg409=)

Gene: PRPF8 (pre-mRNA processing factor 8; minus strand). Cytogenetic location: 17p13.3.
Variant type: single nucleotide variant.
Coding change: c.1225C>A on transcript NM_006445.4 (MANE Select); coding-DNA position 1225, C replaced by A.
Protein change: p.Arg409=; no amino-acid change (arginine 409 retained).
Molecular consequence: synonymous variant.
Genome position (GRCh38, 1-based): chr17:1,679,673, G>T on the plus strand (C>A on the coding strand, the complement: PRPF8 is on the minus strand). VCF-style: chr17-1679673-G-T. GRCh37 (hg19) VCF-style: chr17-1582967-G-T.
Other names: c.1225C>A (NM_006445.3).
Identifiers: ClinVar variation 1613294 (VCV001613294.9), dbSNP rs772116221, ClinGen allele CA8272413.

ClinVar aggregate classification (germline): Likely benign. Review status: criteria provided, multiple submitters, no conflicts (2 of 4 stars). 2 submissions from 2 submitters: Likely benign (2). Last evaluated 2025-04-25.

Conditions:
PRPF8-related disorder. Also called: PRPF8-related condition.

Allele frequency attached by ClinVar (database versions not stated): ExAC 0.00007; gnomAD exomes 0.00007.
gnomAD v4.1: 20 of 1,614,136 alleles (0.0012%); highest among the groups gnomAD compares: Admixed American, 0.027%; no homozygotes.

Submissions (2):

PreventionGenetics, part of Exact Sciences
Classification: Likely benign for PRPF8-related condition. Last evaluated: 2025-04-25. Review status: criteria provided, single submitter. Criteria: ACMG Guidelines, 2015. Collection method: clinical testing. Allele origin: germline.
Comment: This variant is classified as likely benign based on ACMG/AMP sequence variant interpretation guidelines (Richards et al. 2015 PMID: 25741868, with internal and published modifications).

Labcorp Genetics (formerly Invitae), Labcorp
Classification: Likely benign. Last evaluated: 2024-03-04. Review status: criteria provided, single submitter. Criteria: Invitae Variant Classification Sherloc (09022015). Collection method: clinical testing. Allele origin: germline.